The following is an entry in ClinVar:

ClinVar aggregate classification (germline): Uncertain significance (1 of 4 stars; one submission).

Conditions:
Werner syndrome (WRN). Identifiers: Orphanet 902, MedGen C0043119, MONDO:0010196, OMIM 277700.

Allele frequency attached by ClinVar (database versions not stated): gnomAD exomes below 0.00001; TOPMed below 0.00001; gnomAD 0.00001.
gnomAD v4.1: 2 of 1,612,982 alleles (0.00012%); highest among the groups gnomAD compares: Non-Finnish European, 0.00017%; no homozygotes.

Submission:

Labcorp Genetics (formerly Invitae), Labcorp
Classification: Uncertain significance for Werner syndrome. Last evaluated: 2022-08-11. Review status: criteria provided, single submitter. Criteria: Invitae Variant Classification Sherloc (09022015). Collection method: clinical testing. Allele origin: germline.
Comment: This sequence change replaces isoleucine, which is neutral and non-polar, with threonine, which is neutral and polar, at codon 591 of the WRN protein (p.Ile591Thr). This variant is not present in population databases (gnomAD no frequency). This variant has not been reported in the literature in individuals affected with WRN-related conditions. ClinVar contains an entry for this variant (Variation ID: 1388111). Algorithms developed to predict the effect of missense changes on protein structure and function are either unavailable or do not agree on the potential impact of this missense change (SIFT: "Not Available"; PolyPhen-2: "Benign"; Align-GVGD: "Not Available"). In summary, the available evidence is currently insufficient to determine the role of this variant in disease. Therefore, it has been classified as a Variant of Uncertain Significance.

NM_000553.6(WRN):c.1772T>C (p.Ile591Thr)

Gene: WRN (WRN RecQ like helicase; plus strand). Cytogenetic location: 8p12.
Variant type: single nucleotide variant.
Coding change: c.1772T>C on transcript NM_000553.6 (MANE Select); coding-DNA position 1772, T replaced by C.
Protein change: p.Ile591Thr; replaces isoleucine 591 with threonine.
Molecular consequence: missense variant.
Genome position (GRCh38, 1-based): chr8:31,090,885, T>C. VCF-style: chr8-31090885-T-C. GRCh37 (hg19) VCF-style: chr8-30948401-T-C.
Other names: short protein forms I591T.
Identifiers: ClinVar variation 1388111 (VCV001388111.5), dbSNP rs1191540289, ClinGen allele CA370927812.